The following is an entry in ClinVar:

NM_002382.5(MAX):c.427G>C (p.Glu143Gln)

Gene: MAX (MYC associated transcriptional regulator X; minus strand). Cytogenetic location: 14q23.3.
Variant type: single nucleotide variant.
Coding change: c.427G>C on transcript NM_002382.5 (MANE Select); coding-DNA position 427, G replaced by C.
Protein change: p.Glu143Gln; replaces glutamic acid 143 with glutamine.
Molecular consequence: missense variant. On other transcripts: 3 prime UTR variant (12), non-coding transcript variant (7), intron variant (2).
Genome position (GRCh38, 1-based): chr14:65,076,532, C>G on the plus strand (G>C on the coding strand, the complement: MAX is on the minus strand). VCF-style: chr14-65076532-C-G. GRCh37 (hg19) VCF-style: chr14-65543250-C-G.
Other names: c.319G>C, p.Glu107Gln (NM_001407098.1); c.*200G>C (NM_001407099.1, NM_001407102.1, NM_001407104.1 and 2 more transcripts); c.*216G>C (NM_001407100.1, NM_001407101.1, NM_001407103.1 and 4 more transcripts); c.238G>C, p.Glu80Gln (NM_001407105.1, NM_001407106.1, NM_001407107.1 and 1 more transcripts); c.226G>C, p.Glu76Gln (NM_001407111.1, NM_001407112.1); c.400G>C, p.Glu134Gln (NM_145112.3, NM_001407095.1); c.144+17176G>C (NM_001271069.2); c.171+17176G>C (NM_197957.4); and 1 more; short protein forms E143Q, E80Q, E107Q, E134Q, E76Q.
Identifiers: ClinVar variation 4825481 (VCV004825481.1).
Genomic context (GRCh38, chr14:65,076,532, plus strand): 5'-TGGCTTAGCTGGCCTCCATCCGGAGCTTCTTCCTGCTTTGGGGCTCTTCAGGCTCAGACT[C>G]CGAGCTGGAGTCCGAGCCCCCATCGAAGGCAGAGATGGTGCTGCCCTTGGCGTTGGTGTA-3'
Protein context (NP_002373.3, residues 133-153): AFDGGSDSSS[Glu143Gln]SEPEEPQSRK

ClinVar aggregate classification (germline): Uncertain significance (1 of 4 stars; one submission).

Conditions:
Hereditary cancer-predisposing syndrome. Also called: Neoplastic Syndromes, Hereditary; Tumor predisposition; Hereditary Cancer Syndrome; Hereditary neoplastic syndrome. Identifiers: Orphanet 140162, MedGen C0027672, MeSH D009386, MONDO:0015356.

gnomAD v4.1: 1 of 1,614,052 alleles (0.000062%); highest among the groups gnomAD compares: Non-Finnish European, 0.000085%; no homozygotes.

Submission:

Ambry Genetics
Classification: Uncertain significance for Hereditary cancer-predisposing syndrome. Last evaluated: 2026-02-03. Review status: criteria provided, single submitter. Criteria: Ambry Variant Classification Scheme 2023. Collection method: clinical testing. Allele origin: germline.
Comment: The p.E143Q variant (also known as c.427G>C), located in coding exon 5 of the MAX gene, results from a G to C substitution at nucleotide position 427. The glutamic acid at codon 143 is replaced by glutamine, an amino acid with highly similar properties. This amino acid position is well conserved in available vertebrate species. In addition, the in silico prediction for this alteration is inconclusive. Based on the available evidence, the clinical significance of this variant remains unclear.